The following is an entry in ClinVar:

NM_002907.4(RECQL):c.595A>G (p.Met199Val)

Gene: RECQL (RecQ like helicase; minus strand). Cytogenetic location: 12p12.1.
Variant type: single nucleotide variant.
Coding change: c.595A>G on transcript NM_002907.4 (MANE Select); coding-DNA position 595, A replaced by G.
Protein change: p.Met199Val; replaces methionine 199 with valine.
Molecular consequence: missense variant.
Genome position (GRCh38, 1-based): chr12:21,483,481, T>C on the plus strand (A>G on the coding strand, the complement: RECQL is on the minus strand). VCF-style: chr12-21483481-T-C. GRCh37 (hg19) VCF-style: chr12-21636415-T-C.
Other names: c.595A>G, p.Met199Val (NM_032941.3); short protein forms M199V.
Identifiers: ClinVar variation 5028064 (VCV005028064.1).

ClinVar aggregate classification (germline): Uncertain significance (1 of 4 stars; one submission).

Submission:

Ambry Genetics
Classification: Uncertain significance. Last evaluated: 2026-09-05. Review status: criteria provided, single submitter. Criteria: Ambry Variant Classification Scheme 2023. Collection method: clinical testing. Allele origin: germline.
Comment: The p.M199V variant (also known as c.595A>G), located in coding exon 5 of the RECQL gene, results from an A to G substitution at nucleotide position 595. The methionine at codon 199 is replaced by valine, an amino acid with highly similar properties. This amino acid position is conserved. In addition, this alteration is predicted to be tolerated by in silico analysis. Based on the available evidence, the clinical significance of this variant remains unclear.